The following is an entry in ClinVar:

NM_007294.4(BRCA1):c.5399T>A (p.Leu1800His)

Gene: BRCA1 (BRCA1 DNA repair associated; minus strand). Cytogenetic location: 17q21.31.
Variant type: single nucleotide variant.
Coding change: c.5399T>A on transcript NM_007294.4 (MANE Select); coding-DNA position 5399, T replaced by A.
Protein change: p.Leu1800His; replaces leucine 1800 with histidine.
Molecular consequence: missense variant. On other transcripts: non-coding transcript variant (1), intron variant (1).
Genome position (GRCh38, 1-based): chr17:43,049,128, A>T on the plus strand (T>A on the coding strand, the complement: BRCA1 is on the minus strand). VCF-style: chr17-43049128-A-T. GRCh37 (hg19) VCF-style: chr17-41201145-A-T.
Other names: c.5186T>A, p.Leu1729His (NM_001407571.1, NM_001407900.1, NM_001407902.1 and 12 more transcripts); c.5465T>A, p.Leu1822His (NM_001407581.1, NM_001407582.1); c.5462T>A, p.Leu1821His (NM_001407583.1, NM_001407585.1, NM_001407587.1 and 1 more transcripts); c.5459T>A, p.Leu1820His (NM_001407590.1, NM_001407591.1); c.5399T>A, p.Leu1800His (NM_001407593.1, NM_001407594.1, NM_001407596.1 and 5 more transcripts); c.5396T>A, p.Leu1799His (NM_001407610.1, NM_001407611.1, NM_001407612.1 and 14 more transcripts); c.5393T>A, p.Leu1798His (NM_001407627.1, NM_001407628.1, NM_001407629.1 and 13 more transcripts); c.5390T>A, p.Leu1797His (NM_001407644.1, NM_001407645.1); and 73 more; short protein forms L1800H, L1753H, L1821H, L696H, L1503H, L1646H, L1687H, L1688H.
Identifiers: ClinVar variation 865419 (VCV000865419.3), dbSNP rs2051074040, ClinGen allele CA10590678.

Conditions:
Breast-ovarian cancer, familial, susceptibility to, 1 (BROVCA1). Also called: BRCA1 Hereditary Breast and Ovarian Cancer; OVARIAN CANCER, SUSCEPTIBILITY TO. Identifiers: Orphanet 145, MedGen C2676676, MONDO:0011450, OMIM 604370. Disease mechanism: loss of function.

Submission:

Brotman Baty Institute, University of Washington
No classification provided (evidence only). Condition: Breast-ovarian cancer, familial 1. Review status: no classification provided. Collection method: in vitro. Allele origin: not applicable. Functional consequence: functionally_normal.
ClinVar note: "not provided" was previously submitted as the classification for the variant. However, the classification appeared to be based only on an observation of functional data so it was converted to no classification on 2025-07-30.